The following is an entry in ClinVar:

NM_001042492.3(NF1):c.5880C>A (p.Cys1960Ter)

Gene: NF1 (neurofibromin 1; plus strand). Cytogenetic location: 17q11.2.
Variant type: single nucleotide variant.
Coding change: c.5880C>A on transcript NM_001042492.3 (MANE Select); coding-DNA position 5880, C replaced by A.
Protein change: p.Cys1960Ter; replaces cysteine 1960 with a stop codon.
Molecular consequence: nonsense.
Genome position (GRCh38, 1-based): chr17:31,334,905, C>A. VCF-style: chr17-31334905-C-A. GRCh37 (hg19) VCF-style: chr17-29661923-C-A.
Other names: c.5817C>A, p.Cys1939Ter (NM_000267.4); short protein forms C1939*, C1960*.
Identifiers: ClinVar variation 488978 (VCV000488978.6), dbSNP rs1462287670, ClinGen allele CA399010700.
Genomic context (GRCh38, chr17:31,334,905, plus strand): 5'-ATTGAAACACCTTTGTTTGGAATACATGACTCCATGGCTGTCAAATCTAGTTCGTTTTTG[C>A]AAGCATAATGATGATGCCAAACGACAAAGAGTTACTGCTATTCTTGACAAGCTGATAACA-3'

ClinVar aggregate classification (germline): Pathogenic. Review status: criteria provided, multiple submitters, no conflicts (2 of 4 stars). 2 submissions from 2 submitters: Pathogenic (2). Last evaluated 2022-10-12.

Conditions:
Neurofibromatosis, type 1 (NF1). Also called: NEUROFIBROMATOSIS, TYPE I, SOMATIC; VON RECKLINGHAUSEN DISEASE; Neurofibromatosis, type I; Peripheral type neurofibromatosis. Identifiers: Orphanet 636, MedGen C0027831, MONDO:0018975, OMIM 162200. Disease mechanism: loss of function.

Submissions (2):

Labcorp Genetics (formerly Invitae), Labcorp
Classification: Pathogenic for Neurofibromatosis, type 1. Last evaluated: 2022-10-12. Review status: criteria provided, single submitter. Criteria: Invitae Variant Classification Sherloc (09022015). Collection method: clinical testing. Allele origin: germline.
Comment: For these reasons, this variant has been classified as Pathogenic. ClinVar contains an entry for this variant (Variation ID: 488978). This premature translational stop signal has been observed in individual(s) with neurofibromatosis type I (PMID: 27838393). This variant is not present in population databases (gnomAD no frequency). This sequence change creates a premature translational stop signal (p.Cys1939*) in the NF1 gene. It is expected to result in an absent or disrupted protein product. Loss-of-function variants in NF1 are known to be pathogenic (PMID: 10712197, 23913538).

GeneDx
Classification: Pathogenic. Last evaluated: 2017-10-19. Review status: criteria provided, single submitter. Criteria: GeneDx Variant Classification (06012015). Collection method: clinical testing. Allele origin: germline. Affected: yes.
Comment: This variant is denoted NF1 c.5817C>A at the cDNA level and p.Cys1939Ter (C1939X) at the protein level. The substitution creates a nonsense variant, which changes a Cysteine to a premature stop codon (TGC>TGA), and is predicted to cause loss of normal protein function through either protein truncation or nonsense-mediated mRNA decay. This variant has been reported in at least one individual with a clinical diagnosis of Neurofibromatosis Type 1 (Cali 2016) and is considered pathogenic.

Literature cited by the submitters: PubMed 27838393 (cited by Labcorp Genetics (formerly Invitae), Labcorp); PubMed 10712197 (cited by Labcorp Genetics (formerly Invitae), Labcorp); PubMed 23913538 (cited by Labcorp Genetics (formerly Invitae), Labcorp).